The following is an entry in ClinVar:

NM_001903.5(CTNNA1):c.1355T>A (p.Met452Lys)

Gene: CTNNA1 (catenin alpha 1; plus strand). Cytogenetic location: 5q31.2.
Variant type: single nucleotide variant.
Coding change: c.1355T>A on transcript NM_001903.5 (MANE Select); coding-DNA position 1355, T replaced by A.
Protein change: p.Met452Lys; replaces methionine 452 with lysine.
Molecular consequence: missense variant. On other transcripts: intron variant (3), 5 prime UTR variant (4), initiator codon variant (2).
Genome position (GRCh38, 1-based): chr5:138,904,407, T>A. VCF-style: chr5-138904407-T-A. GRCh37 (hg19) VCF-style: chr5-138240096-T-A.
Other names: c.1297-13335T>A (NM_001323986.2); c.187-13335T>A (NM_001324011.1); c.-60-13335T>A (NM_001324010.1); c.1355T>A, p.Met452Lys (NM_001290307.3, NM_001323982.2, NM_001323983.1 and 2 more transcripts); c.1046T>A, p.Met349Lys (NM_001290309.3); c.986T>A, p.Met329Lys (NM_001290310.3); c.245T>A, p.Met82Lys (NM_001290312.1, NM_001323987.1, NM_001323988.1 and 17 more transcripts); c.1355T>A (NM_001903.3); and 2 more; short protein forms M1K, M82K, M329K, M349K, M452K.
Identifiers: ClinVar variation 2707337 (VCV002707337.4), dbSNP rs2533353835, ClinGen allele CA361135980.

ClinVar aggregate classification (germline): Uncertain significance. Review status: criteria provided, multiple submitters, no conflicts (2 of 4 stars). 2 submissions from 2 submitters: Uncertain significance (2). Last evaluated 2024-01-04.

Submissions (2):

Labcorp Genetics (formerly Invitae), Labcorp
Classification: Uncertain significance. Last evaluated: 2024-01-04. Review status: criteria provided, single submitter. Criteria: Invitae Variant Classification Sherloc (09022015). Collection method: clinical testing. Allele origin: germline.
Comment: This sequence change replaces methionine, which is neutral and non-polar, with lysine, which is basic and polar, at codon 452 of the CTNNA1 protein (p.Met452Lys). This variant is not present in population databases (gnomAD no frequency). This variant has not been reported in the literature in individuals affected with CTNNA1-related conditions. Advanced modeling of protein sequence and biophysical properties (such as structural, functional, and spatial information, amino acid conservation, physicochemical variation, residue mobility, and thermodynamic stability) performed at Invitae indicates that this missense variant is not expected to disrupt CTNNA1 protein function with a negative predictive value of 80%. In summary, the available evidence is currently insufficient to determine the role of this variant in disease. Therefore, it has been classified as a Variant of Uncertain Significance.

GeneDx
Classification: Uncertain significance. Last evaluated: 2023-11-15. Review status: criteria provided, single submitter. Criteria: GeneDx Variant Classification Process June 2021. Collection method: clinical testing. Allele origin: germline. Affected: yes.
Comment: Not observed at significant frequency in large population cohorts (gnomAD); In silico analysis supports that this missense variant has a deleterious effect on protein structure/function; Has not been previously published as pathogenic or benign to our knowledge